The following is an entry in ClinVar:

NM_001370259.2(MEN1):c.952A>G (p.Ile318Val)

Gene: MEN1 (menin 1; minus strand). Cytogenetic location: 11q13.1.
Variant type: single nucleotide variant.
Coding change: c.952A>G on transcript NM_001370259.2 (MANE Select); coding-DNA position 952, A replaced by G.
Protein change: p.Ile318Val; replaces isoleucine 318 with valine.
Molecular consequence: missense variant.
Genome position (GRCh38, 1-based): chr11:64,806,329, T>C on the plus strand (A>G on the coding strand, the complement: MEN1 is on the minus strand). VCF-style: chr11-64806329-T-C. GRCh37 (hg19) VCF-style: chr11-64573801-T-C.
Other names: c.967A>G, p.Ile323Val (NM_000244.4, NM_130800.3, NM_130801.3 and 3 more transcripts); c.952A>G, p.Ile318Val (NM_001370251.2, NM_001370260.2, NM_001370261.2 and 1 more transcripts); c.847A>G, p.Ile283Val (NM_001370262.2, NM_001370263.2); short protein forms I318V, I323V, I283V.
Identifiers: ClinVar variation 579894 (VCV000579894.7), dbSNP rs1565644220, ClinGen allele CA381183380.
Genomic context (GRCh38, chr11:64,806,329, plus strand): 5'-GGGCTTCCCGCACATTGCGGTTGCGACAGTGGTAGCCAGCCAGGTACATGTAGGGGTAGA[T>C]GTGTTCATCCCGATAGTAGGTCTTGGCTGAGGCAATGCCCTGGATGGAGGTGAGGCAGAG-3'
Protein context (NP_001357188.2, residues 308-328): SAKTYYRDEH[Ile318Val]YPYMYLAGYH

ClinVar aggregate classification (germline): Uncertain significance (1 of 4 stars; one submission).

Conditions:
Multiple endocrine neoplasia, type 1 (MEN1). Also called: MEN I; WERMER SYNDROME; Endocrine adenomatosis multiple; MEN 1; MEA I. Identifiers: Orphanet 652, MedGen C0025267, MeSH D018761, MONDO:0007540, OMIM 131100.

Submission:

Labcorp Genetics (formerly Invitae), Labcorp
Classification: Uncertain significance for Multiple endocrine neoplasia, type 1. Last evaluated: 2025-10-26. Review status: criteria provided, single submitter. Criteria: Invitae Variant Classification Sherloc (09022015). Collection method: clinical testing. Allele origin: germline.
Comment: This sequence change replaces isoleucine, which is neutral and non-polar, with valine, which is neutral and non-polar, at codon 318 of the MEN1 protein (p.Ile318Val). This variant is not present in population databases (gnomAD no frequency). This missense change has been observed in individual(s) with MEN1-related conditions (PMID: 35856247). This variant is also known as c.967A>G (p.Ile323Val). ClinVar contains an entry for this variant (Variation ID: 579894). Invitae Evidence Modeling of protein sequence and biophysical properties (such as structural, functional, and spatial information, amino acid conservation, physicochemical variation, residue mobility, and thermodynamic stability) indicates that this missense variant is not expected to disrupt MEN1 protein function with a negative predictive value of 95%. In summary, the available evidence is currently insufficient to determine the role of this variant in disease. Therefore, it has been classified as a Variant of Uncertain Significance.

Literature cited by the submitters: PubMed 35856247.